The following is an entry in ClinVar:

NM_000287.4(PEX6):c.311del (p.Gly104fs)

Gene: PEX6 (peroxisomal biogenesis factor 6; minus strand). Cytogenetic location: 6p21.1.
Variant type: Deletion.
Coding change: c.311del on transcript NM_000287.4 (MANE Select); coding-DNA position 311, one base deleted (G; older notation c.311delG).
Protein change: p.Gly104fs; shifts the reading frame from glycine 104.
Molecular consequence: frameshift variant. On other transcripts: non-coding transcript variant (1).
Genome position (GRCh38, 1-based): chr6:42,978,840, C deleted on the plus strand (G on the coding strand, the reverse complement: PEX6 is on the minus strand); the first of 2 consecutive C bases (chr6:42,978,840-42,978,841); deleting either gives the same sequence. VCF-style (leftmost placement, unchanged base first): chr6-42978839-AC-A. GRCh37 (hg19) VCF-style: chr6-42946577-AC-A.
Other names: c.311del, p.Gly104fs (NM_001316313.2); c.311del (NM_000287.3); short protein forms G104fs.
Identifiers: ClinVar variation 499109 (VCV000499109.20), dbSNP rs61753209, ClinGen allele CA138238456.

ClinVar aggregate classification (germline): Pathogenic/Likely pathogenic. Review status: criteria provided, multiple submitters, no conflicts (2 of 4 stars). 8 submissions from 8 submitters: Pathogenic (5); Likely pathogenic (2). 1 of the submissions does not count toward it. Last evaluated 2026-03-19.

Conditions:
Zellweger spectrum disorders (ZS). Also called: Zellweger syndrome; Zellweger Spectrum Disorder (ZSD); Zellweger Spectrum Disorder; Zellweger Spectrum. Identifiers: Orphanet 912, MedGen C0043459, MONDO:0019609.
PEX6-related disorder. Also called: PEX6-related condition; PEX6-related disorders.
Heimler syndrome 2 (HMLR2). Also called: PEROXISOME BIOGENESIS DISORDER 4C. Identifiers: Orphanet 3220, MedGen C4225267, OMIM 616617, MONDO:0014709.
Peroxisome biogenesis disorder 4A (Zellweger) (PBD4A). Also called: Zellweger syndrome spectrum (PEX6-related). Identifiers: Orphanet 912, MedGen C3553936, MONDO:0013930, OMIM 614862. Disease mechanism: loss of function.
Peroxisome biogenesis disorder 4B (PBD4B). Also called: SPINOCEREBELLAR ATAXIA WITH BLINDNESS AND DEAFNESS 1. Identifiers: Orphanet 44, Orphanet 95433, MedGen C3553937, MONDO:0013931, OMIM 614863.
Peroxisome biogenesis disorder. Identifiers: Orphanet 79189, MedGen C1832200, MONDO:0019234. Disease mechanism: loss of function.

Submissions (8):

PreventionGenetics, part of Exact Sciences
Classification: Pathogenic for PEX6-related condition. Last evaluated: 2026-03-19. Review status: criteria provided, single submitter. Criteria: ACMG Guidelines, 2015. Collection method: clinical testing. Allele origin: germline.
Comment: The PEX6 c.311delG variant is predicted to result in a frameshift and premature protein termination (p.Gly104Valfs*22). This variant has been reported in an individual with Zellweger syndrome (Ebberink et al. 2010. PubMed ID: 19877282). This variant is reported in 0.0052% of alleles in individuals of European (Non-Finnish) descent in gnomAD. Frameshift variants in PEX6 are expected to be pathogenic. This variant is interpreted as pathogenic.

Labcorp Genetics (formerly Invitae), Labcorp
Classification: Pathogenic for Peroxisome biogenesis disorder. Last evaluated: 2026-01-16. Review status: criteria provided, single submitter. Criteria: Invitae Variant Classification Sherloc (09022015). Collection method: clinical testing. Allele origin: germline.
Comment: This sequence change creates a premature translational stop signal (p.Gly104Valfs*22) in the PEX6 gene. It is expected to result in an absent or disrupted protein product. Loss-of-function variants in PEX6 are known to be pathogenic (PMID: 10408779, 21031596, 31831025). This variant is present in population databases (rs61753209, gnomAD 0.005%). This premature translational stop signal has been observed in individual(s) with PEX6-related disorders (PMID: 19877282). ClinVar contains an entry for this variant (Variation ID: 499109). For these reasons, this variant has been classified as Pathogenic.

Natera, Inc.
Classification: Pathogenic for Zellweger syndrome. Last evaluated: 2025-01-03. Review status: criteria provided, single submitter. Criteria: Natera Variant Classification Schema (03/2026). Collection method: clinical testing. Allele origin: germline.
Comment: The c.311delG variant in PEX6 is a frameshift variant predicted to shift the reading frame beginning at codon 104 and leads to a stop codon 22 codons downstream. This variant is expected to result in nonsense mediated decay, truncation, or a dysfunctional protein product. This variant is rare in the general population with a frequency below the threshold expected for the associated phenotype(s). This variant has been observed in one or more individuals affected with the associated recessive disease, as either homozygous or compound heterozygous with a second variant (PMID: 19877282). Given the available evidence, this variant is classified as Pathogenic.

GeneDx
Classification: Likely pathogenic. Last evaluated: 2024-09-12. Review status: criteria provided, single submitter. Criteria: GeneDx Variant Classification Process June 2021. Collection method: clinical testing. Allele origin: germline. Affected: yes.
Comment: Frameshift variant predicted to result in protein truncation or nonsense mediated decay in a gene for which loss of function is a known mechanism of disease; Not observed at significant frequency in large population cohorts (gnomAD); This variant is associated with the following publications: (PMID: 31964843, 19877282)

Baylor Genetics
Classification: Pathogenic for Heimler syndrome 2. Last evaluated: 2024-02-01. Review status: criteria provided, single submitter. Criteria: ACMG Guidelines, 2015. Collection method: clinical testing. Allele origin: unknown.

Women's Health and Genetics/Laboratory Corporation of America, LabCorp
Classification: Likely pathogenic for Peroxisome biogenesis disorder. Last evaluated: 2022-10-18. Review status: criteria provided, single submitter. Criteria: LabCorp Variant Classification Summary - May 2015. Collection method: clinical testing. Allele origin: germline.
Comment: Variant summary: PEX6 c.311delG (p.Gly104ValfsX22) results in a premature termination codon, predicted to cause a truncation of the encoded protein or absence of the protein due to nonsense mediated decay, which are commonly known mechanisms for disease. Truncations downstream of this position have been classified as pathogenic by our laboratory. The variant allele was found at a frequency of 1.8e-05 in 112824 control chromosomes (gnomAD and publication data). c.311delG has been reported in the literature in at least one compound heterozygous individual affected with Zellweger Syndrome (Ebberink_2010). These data do not allow any conclusion about variant significance. To our knowledge, no experimental evidence demonstrating an impact on protein function has been reported. Four ClinVar submitters (evaluation after 2014) cite the variant as pathogenic (n=3) and likely pathogenic (n=1). Based on the evidence outlined above, the variant was classified as likely pathogenic.

Eurofins Ntd Llc (ga)
Classification: Pathogenic. Last evaluated: 2016-12-19. Review status: criteria provided, single submitter. Criteria: EGL Classification Definitions 2015. Collection method: clinical testing. Allele origin: germline. Observed: 1 variant allele, 1 heterozygote.

Counsyl
Classification: Likely pathogenic for Peroxisome biogenesis disorder 4A (Zellweger); Peroxisome biogenesis disorder 4B. Last evaluated: 2017-09-06. Review status: no assertion criteria provided. Collection method: clinical testing. Allele origin: unknown. Not counted in ClinVar's aggregate classification.

Literature cited by the submitters: PubMed 10408779 (cited by Labcorp Genetics (formerly Invitae), Labcorp); PubMed 21031596 (cited by Labcorp Genetics (formerly Invitae), Labcorp); PubMed 31831025 (cited by Labcorp Genetics (formerly Invitae), Labcorp and Women's Health and Genetics/Laboratory Corporation of America, LabCorp); PubMed 19877282 (cited by 4 submitters).